The following is an entry in ClinVar:

ClinVar aggregate classification (germline): Uncertain significance. Review status: criteria provided, single submitter (1 of 4 stars). 2 submissions from 2 submitters: Uncertain significance (1). 1 of the submissions does not count toward it. Last evaluated 2024-05-01.

Conditions:
Polyps, multiple and recurrent inflammatory fibroid, gastrointestinal. Identifiers: MedGen C5193005, MONDO:0008285, OMIM 175510.
PDGFRA-related disorder. Also called: PDGFRA-related condition.

Allele frequency attached by ClinVar (database versions not stated): 1000 Genomes Project 0.00040; gnomAD 0.00015; TOPMed 0.00021; gnomAD exomes 0.00001; 1000 Genomes Project 30x 0.00047.

Submissions (2):

St. Jude Molecular Pathology, St. Jude Children's Research Hospital
Classification: Uncertain significance for Polyps, multiple and recurrent inflammatory fibroid, gastrointestinal. Last evaluated: 2024-05-01. Review status: criteria provided, single submitter. Criteria: St. Jude Assertion Criteria 2020. Collection method: clinical testing. Allele origin: germline.

PreventionGenetics, part of Exact Sciences
Classification: Uncertain significance for PDGFRA-related condition. Last evaluated: 2024-07-01. Review status: no assertion criteria provided. Collection method: clinical testing. Allele origin: germline. Not counted in ClinVar's aggregate classification.
Comment: The PDGFRA c.2405T>C variant is predicted to result in the amino acid substitution p.Leu802Pro. To our knowledge, this variant has not been reported in the literature. This variant is reported in 0.059% of alleles in individuals of African descent in gnomAD. Although we suspect that this variant may be benign, at this time, the clinical significance of this variant is uncertain due to the absence of conclusive functional and genetic evidence.

NM_006206.6(PDGFRA):c.2323+1180T>C

Genes: PDGFRA (platelet derived growth factor receptor alpha; plus strand), LOC126807054 (BRD4-independent group 4 enhancer GRCh37_chr4:55147260-55148459; plus strand). Cytogenetic location: 4q12.
Variant type: single nucleotide variant.
Coding change: c.2323+1180T>C on transcript NM_006206.6 (MANE Select); 1180 bases into the intron after coding-DNA position 2323, T replaced by C.
Molecular consequence: intron variant. On other transcripts: missense variant (1).
Genome position (GRCh38, 1-based): chr4:54,281,662, T>C. VCF-style: chr4-54281662-T-C. GRCh37 (hg19) VCF-style: chr4-55147829-T-C.
Other names: c.2405T>C, p.Leu802Pro (NM_001347827.2); c.2398+1180T>C (NM_001347828.2); c.2323+1180T>C (NM_001347829.2); c.2362+1180T>C (NM_001347830.2); c.2405T>C (NM_001347827.1); short protein forms L802P.
Identifiers: ClinVar variation 2503510 (VCV002503510.3), dbSNP rs557599851, ClinGen allele CA96863939.
Genomic context (GRCh38, chr4:54,281,662, plus strand): 5'-CGAGATGTCAGAGGAACCTGAGTCATGCTCAGGCCCAAGCCCTGTTGGCAGGCAGACCAC[T>C]GCTTTCTGGCCTTCCGTGACTATCTGAAAAAAATCGTGAATGGCTAGAGCTACTCTTCAC-3'